The following is an entry in ClinVar:

ClinVar aggregate classification (germline): Uncertain significance (1 of 4 stars; one submission).

Allele frequency attached by ClinVar (database versions not stated): gnomAD 0.00001; gnomAD exomes 0.00001; TOPMed 0.00002.
gnomAD v4.1: 5 of 1,613,728 alleles (0.00031%); highest among the groups gnomAD compares: African/African-American, 0.0053%; no homozygotes.

Submission:

Athena Diagnostics
Classification: Uncertain significance. Last evaluated: 2023-03-17. Review status: criteria provided, single submitter. Criteria: Athena Diagnostics Criteria. Collection method: clinical testing. Allele origin: unknown.
Comment: Available data are insufficient to determine the clinical significance of the variant at this time. The frequency of this variant in the general population is uninformative in assessment of its pathogenicity. Computational tools disagree on the variant's effect on normal protein function.

NM_000451.4(SHOX):c.88A>G (p.Lys30Glu)

Gene: SHOX (SHOX homeobox; plus strand). Cytogenetic location: Xp22.33.
Variant type: single nucleotide variant.
Coding change: c.88A>G on transcript NM_000451.4 (MANE Select); coding-DNA position 88, A replaced by G.
Protein change: p.Lys30Glu; replaces lysine 30 with glutamic acid.
Molecular consequence: missense variant.
Genome position (GRCh38, 1-based): chrX:630,985, A>G. VCF-style: chrX-630985-A-G. GRCh37 (hg19) VCF-style: chrX-591720-A-G.
Other names: c.88A>G, p.Lys30Glu (NM_006883.2); short protein forms K30E.
Identifiers: ClinVar variation 2684381 (VCV002684381.1), dbSNP rs922119511, ClinGen allele CA325619444.